The following is an entry in ClinVar:

NM_001164508.2(NEB):c.4034G>A (p.Gly1345Asp)

Gene: NEB (nebulin; minus strand). Cytogenetic location: 2q23.3.
Variant type: single nucleotide variant.
Coding change: c.4034G>A on transcript NM_001164508.2 (MANE Select); coding-DNA position 4034, G replaced by A.
Protein change: p.Gly1345Asp; replaces glycine 1345 with aspartic acid.
Molecular consequence: missense variant.
Genome position (GRCh38, 1-based): chr2:151,672,634, C>T on the plus strand (G>A on the coding strand, the complement: NEB is on the minus strand). VCF-style: chr2-151672634-C-T. GRCh37 (hg19) VCF-style: chr2-152529148-C-T.
Other names: c.4034G>A, p.Gly1345Asp (NM_001164507.2, NM_001271208.2, NM_004543.5); short protein forms G1345D.
Identifiers: ClinVar variation 1934976 (VCV001934976.2), dbSNP rs2552260688, ClinGen allele CA348817094.

ClinVar aggregate classification (germline): Uncertain significance (1 of 4 stars; one submission).

Conditions:
Nemaline myopathy 2 (NEM2). Also called: Nemaline myopathy 2, autosomal recessive. Identifiers: MedGen C1850569, MONDO:0009725, OMIM 256030.

Submission:

Labcorp Genetics (formerly Invitae), Labcorp
Classification: Uncertain significance for Nemaline myopathy 2. Last evaluated: 2021-03-10. Review status: criteria provided, single submitter. Criteria: Invitae Variant Classification Sherloc (09022015). Collection method: clinical testing. Allele origin: germline.
Comment: This sequence change replaces glycine with aspartic acid at codon 1345 of the NEB protein (p.Gly1345Asp). The glycine residue is moderately conserved and there is a moderate physicochemical difference between glycine and aspartic acid. This variant is not present in population databases (ExAC no frequency). This variant has not been reported in the literature in individuals with NEB-related conditions. Algorithms developed to predict the effect of missense changes on protein structure and function are either unavailable or do not agree on the potential impact of this missense change (SIFT: "Deleterious"; PolyPhen-2: "Not Available"; Align-GVGD: "Class C0"). In summary, the available evidence is currently insufficient to determine the role of this variant in disease. Therefore, it has been classified as a Variant of Uncertain Significance.